The following is an entry in ClinVar:

NM_020975.6(RET):c.1891G>T (p.Asp631Tyr)

Gene: RET (ret proto-oncogene; plus strand). Cytogenetic location: 10q11.21.
Variant type: single nucleotide variant.
Coding change: c.1891G>T on transcript NM_020975.6 (MANE Select); coding-DNA position 1891, G replaced by T.
Protein change: p.Asp631Tyr; replaces aspartic acid 631 with tyrosine.
Molecular consequence: missense variant.
Genome position (GRCh38, 1-based): chr10:43,114,491, G>T. VCF-style: chr10-43114491-G-T. GRCh37 (hg19) VCF-style: chr10-43609939-G-T.
Other names: c.1891G>T, p.Asp631Tyr (NM_000323.2, NM_001406743.1, NM_001406744.1 and 4 more transcripts); c.1129G>T, p.Asp377Tyr (NM_001355216.2); c.1762G>T, p.Asp588Tyr (NM_001406761.1, NM_001406762.1, NM_001406764.1); c.1603G>T, p.Asp535Tyr (NM_001406766.1, NM_001406767.1, NM_001406770.1); c.1495G>T, p.Asp499Tyr (NM_001406769.1, NM_001406772.1); c.1453G>T, p.Asp485Tyr (NM_001406771.1, NM_001406773.1); c.1366G>T, p.Asp456Tyr (NM_001406774.1); c.1165G>T, p.Asp389Tyr (NM_001406775.1, NM_001406776.1, NM_001406777.1 and 1 more transcripts); and 7 more; short protein forms D377Y, D292Y, D389Y, D499Y, D588Y, D148Y, D236Y, D485Y.
Identifiers: ClinVar variation 24914 (VCV000024914.15), dbSNP rs377767406, ClinGen allele CA008198.

ClinVar aggregate classification (germline): Pathogenic. Review status: criteria provided, multiple submitters, no conflicts (2 of 4 stars). 4 submissions from 4 submitters: Pathogenic (4). Last evaluated 2026-01-19.

Conditions:
Hereditary cancer-predisposing syndrome. Also called: Neoplastic Syndromes, Hereditary; Tumor predisposition; Hereditary Cancer Syndrome; Hereditary neoplastic syndrome. Identifiers: Orphanet 140162, MedGen C0027672, MeSH D009386, MONDO:0015356.
Multiple endocrine neoplasia, type 2 (MEN2). Identifiers: Orphanet 653, MedGen C4048306, MONDO:0019003. Disease mechanism: gain of function.
Multiple endocrine neoplasia type 2A. Also called: MULTIPLE ENDOCRINE NEOPLASIA, TYPE IIA; PTC SYNDROME; SIPPLE SYNDROME; MEN 2A; MEN-2A syndrome; Pheochromocytoma and amyloid producing medullary thyroid carcinoma. Identifiers: Orphanet 247698, Orphanet 653, MedGen C0025268, MeSH D018813, MONDO:0008234, OMIM 171400.

gnomAD v4.1: 1 of 1,606,902 alleles (0.000062%); highest among the groups gnomAD compares: Non-Finnish European, 0.000085%; no homozygotes.

Submissions (4):

Labcorp Genetics (formerly Invitae), Labcorp
Classification: Pathogenic for Multiple endocrine neoplasia, type 2. Last evaluated: 2026-01-19. Review status: criteria provided, single submitter. Criteria: Invitae Variant Classification Sherloc (09022015). Collection method: clinical testing. Allele origin: germline.
Comment: This sequence change replaces aspartic acid, which is acidic and polar, with tyrosine, which is neutral and polar, at codon 631 of the RET protein (p.Asp631Tyr). The frequency data for this variant in the population databases is considered unreliable, as metrics indicate poor data quality at this position in the gnomAD database. This missense change has been observed in individuals with clinical features of multiple endocrine neoplasia type 2 (PMID: 16839264). It has also been observed to segregate with disease in related individuals. ClinVar contains an entry for this variant (Variation ID: 24914). An algorithm developed to predict the effect of missense changes on protein structure and function (PolyPhen-2) suggests that this variant is likely to be tolerated. Experimental studies have shown that this missense change affects RET function (PMID: 10049754). For these reasons, this variant has been classified as Pathogenic.

Myriad Genetics, Inc.
Classification: Pathogenic for Multiple endocrine neoplasia type 2A. Last evaluated: 2025-03-24. Review status: criteria provided, single submitter. Criteria: Myriad Autosomal Dominant, Autosomal Recessive and X-Linked Classification Criteria (2023). Collection method: clinical testing. Allele origin: unknown.
Comment: This variant is considered pathogenic. This variant has been reported in multiple individuals with clinical features of gene-specific disease [PMID: 34905813, 28946813, 16839264, 22274720, 25810047]. Functional studies indicate this variant impacts protein function [PMID: 34905813, 10049754].

Ambry Genetics
Classification: Pathogenic for Hereditary cancer-predisposing syndrome. Last evaluated: 2023-02-14. Review status: criteria provided, single submitter. Criteria: Ambry Variant Classification Scheme 2023. Collection method: clinical testing. Allele origin: germline.
Comment: The p.D631Y pathogenic mutation (also known as c.1891G>T) is located in coding exon 11 of the RET gene. This alteration results from a G to T substitution at nucleotide position 1891. The aspartic acid at codon 631 is replaced by tyrosine, an amino acid with highly dissimilar properties. Elston et al. observed that patients with this mutation typically present first with PCC and MTC may occur at a later onset than reported with other RET mutations (Elston MS et al. Horm Metab Res. 2012 May;44(5):339-42). Functional studies indicate that D631Y acts as a gain-of-function mutation by inducing ligand-independent Ret dimerization, a mechanism of action established in other mutations within the extracellular domain (Asai N et al. Biochem. Biophys. Res. Commun. 1999 Feb 24; 255(3):587-90). This mutation has been classified as conferring "moderate risk" for MTC by the American Thyroid Association (formerly categorized as Level B) (Wells SA et al. Thyroid. 2015 Jun; 25(6):567-610; Kloos RT et al. Thyroid. 2009 Jun; 19(6):565-612). This amino acid position is well conserved in available vertebrate species. In addition, this alteration is predicted to be deleterious by in silico analysis. Based on the supporting evidence, this alteration is pathogenic for MEN2; however, the association of this alteration with Hirschsprung disease is unknown.

GeneDx
Classification: Pathogenic. Last evaluated: 2022-09-08. Review status: criteria provided, single submitter. Criteria: GeneDx Variant Classification Process June 2021. Collection method: clinical testing. Allele origin: germline. Affected: yes.
Comment: May be associated with a moderate risk of aggressive medullary thyroid cancer compared to other pathogenic RET gain of function variants (PMID: 19469690); In silico analysis supports that this missense variant has a deleterious effect on protein structure/function; Not observed at significant frequency in large population cohorts (gnomAD); Published functional studies demonstrate a damaging effect: increased expression, aberrant phosphorylation, and high transforming activity (PMID: 34905813, 10049754); This variant is associated with the following publications: (PMID: 18062802, 24134185, 33219105, 22274720, 11149622, 16839264, 7608256, 14718397, 17923033, 18845906, 9506724, 24466223, 27809725, 30349395, 29625052, 34267909, 33362715, 34154310, 35676000, 35966080, 32571506, 32376047, 34439168, 10049754, 19469690, 36451132, 28747092, 28946813, 34905813, 14633923)

Literature cited by the submitters: PubMed 16839264 (cited by 3 submitters); PubMed 10049754 (cited by 3 submitters); PubMed 34905813 (cited by Myriad Genetics, Inc.); PubMed 28946813 (cited by Myriad Genetics, Inc.); PubMed 22274720 (cited by Myriad Genetics, Inc. and Ambry Genetics); PubMed 25810047 (cited by Myriad Genetics, Inc.); PubMed 11149622 (cited by Ambry Genetics); PubMed 19469690 (cited by Ambry Genetics).